The following is an entry in ClinVar:

NM_003049.4(SLC10A1):c.503T>C (p.Ile168Thr)

Gene: SLC10A1 (solute carrier family 10 member 1; minus strand). Cytogenetic location: 14q24.1.
Variant type: single nucleotide variant.
Coding change: c.503T>C on transcript NM_003049.4 (MANE Select); coding-DNA position 503, T replaced by C.
Protein change: p.Ile168Thr; replaces isoleucine 168 with threonine.
Molecular consequence: missense variant.
Genome position (GRCh38, 1-based): chr14:69,786,161, A>G on the plus strand (T>C on the coding strand, the complement: SLC10A1 is on the minus strand). VCF-style: chr14-69786161-A-G. GRCh37 (hg19) VCF-style: chr14-70252878-A-G.
Other names: c.503T>C (NM_003049.3); short protein forms I168T.
Identifiers: ClinVar variation 595386 (VCV000595386.7), dbSNP rs200153803, ClinGen allele CA7246145.
Genomic context (GRCh38, chr14:69,786,161, plus strand): 5'-ATGACATAGCGCATGTATTGTGGCCGTTTGGATTTGAGGACGATCCCTATGGTGCAAGGA[A>G]TGAGAACCAGGACCAGTGATATCACGATGCCTTTATAGGGCACCTTGTCCTTCAGGTCCC-3'
Protein context (NP_003040.1, residues 158-178): GIVISLVLVL[Ile168Thr]PCTIGIVLKS

ClinVar aggregate classification (germline): Uncertain significance. Review status: criteria provided, multiple submitters, no conflicts (2 of 4 stars). 3 submissions from 3 submitters: Uncertain significance (3). Last evaluated 2025-11-04.

Conditions:
SLC10A1-related disorder. Also called: SLC10A1-related condition.

Allele frequency attached by ClinVar (database versions not stated): TOPMed 0.00021; gnomAD 0.00013 and 0.00014; gnomAD exomes 0.00013 and 0.00018; ExAC 0.00016.
gnomAD v4.1: 208 of 1,613,998 alleles (0.013%); highest among the groups gnomAD compares: Middle Eastern, 0.16%; no homozygotes.

Submissions (3):

PreventionGenetics, part of Exact Sciences
Classification: Uncertain significance for SLC10A1-related condition. Last evaluated: 2025-11-04. Review status: criteria provided, single submitter. Criteria: ACMG Guidelines, 2015. Collection method: clinical testing. Allele origin: germline.
Comment: The SLC10A1 c.503T>C variant is predicted to result in the amino acid substitution p.Ile168Thr. To our knowledge, this variant has not been reported in the literature. This variant is reported in 0.030% of alleles in individuals of European (Non-Finnish) descent in gnomAD. At this time, the clinical significance of this variant is uncertain due to the absence of conclusive functional and genetic evidence.

Eurofins Ntd Llc (ga)
Classification: Uncertain significance. Last evaluated: 2017-12-13. Review status: criteria provided, single submitter. Criteria: EGL Classification Definitions 2015. Collection method: clinical testing. Allele origin: germline. Observed: 1 variant allele, 1 heterozygote.

Breakthrough Genomics
Classification: Uncertain significance. Review status: criteria provided, single submitter. Criteria: ACMG Guidelines, 2015. Collection method: not provided. Allele origin: germline. Inheritance: Autosomal recessive inheritance. Affected: yes.